The following is an entry in ClinVar:

ClinVar aggregate classification (germline): Uncertain significance (1 of 4 stars; one submission).

Conditions:
SOS2-related disorder. Also called: SOS2-related condition.

Submission:

PreventionGenetics, part of Exact Sciences
Classification: Uncertain significance for SOS2-related condition. Last evaluated: 2025-08-10. Review status: criteria provided, single submitter. Criteria: ACMG Guidelines, 2015. Collection method: clinical testing. Allele origin: germline.
Comment: The SOS2 c.3337+1G>A variant is predicted to disrupt the GT donor site and interfere with normal splicing. To our knowledge, this variant has not been reported in the literature or in a large population database (gnomAD), indicating this variant is rare. At this time, the clinical significance of this variant is uncertain due to the absence of conclusive functional and genetic evidence.

NM_006939.4(SOS2):c.3337+1G>A

Gene: SOS2 (SOS Ras/Rho guanine nucleotide exchange factor 2; minus strand). Cytogenetic location: 14q21.3.
Variant type: single nucleotide variant.
Coding change: c.3337+1G>A on transcript NM_006939.4 (MANE Select); the canonical splice donor site of the intron after coding-DNA position 3337, G replaced by A.
Molecular consequence: splice donor variant.
Genome position (GRCh38, 1-based): chr14:50,130,500, C>T on the plus strand (G>A on the coding strand, the complement: SOS2 is on the minus strand). VCF-style: chr14-50130500-C-T. GRCh37 (hg19) VCF-style: chr14-50597218-C-T.
Other names: c.3238+1G>A (NM_001411020.1).
Identifiers: ClinVar variation 4999986 (VCV004999986.1).